The following is an entry in ClinVar:

ClinVar aggregate classification (germline): Uncertain significance (1 of 4 stars; one submission).

Conditions:
MAP1B-related disorder. Also called: MAP1B-related condition.

gnomAD v4.1: 32 of 1,614,108 alleles (0.002%); highest among the groups gnomAD compares: Non-Finnish European, 0.0025%; no homozygotes.

Submission:

PreventionGenetics, part of Exact Sciences
Classification: Uncertain significance for MAP1B-related condition. Last evaluated: 2024-11-24. Review status: criteria provided, single submitter. Criteria: ACMG Guidelines, 2015. Collection method: clinical testing. Allele origin: germline.
Comment: The MAP1B c.6700G>T variant is predicted to result in the amino acid substitution p.Ala2234Ser. To our knowledge, this variant has not been reported in the literature. This variant is reported in 0.0054% of alleles in individuals of East Asian descent in gnomAD. At this time, the clinical significance of this variant is uncertain due to the absence of conclusive functional and genetic evidence.

NM_005909.5(MAP1B):c.6700G>T (p.Ala2234Ser)

Gene: MAP1B (microtubule associated protein 1B; plus strand). Cytogenetic location: 5q13.2.
Variant type: single nucleotide variant.
Coding change: c.6700G>T on transcript NM_005909.5 (MANE Select); coding-DNA position 6700, G replaced by T.
Protein change: p.Ala2234Ser; replaces alanine 2234 with serine.
Molecular consequence: missense variant.
Genome position (GRCh38, 1-based): chr5:72,200,055, G>T. VCF-style: chr5-72200055-G-T. GRCh37 (hg19) VCF-style: chr5-71495882-G-T.
Other names: c.6322G>T, p.Ala2108Ser (NM_001324255.2); short protein forms A2108S, A2234S.
Identifiers: ClinVar variation 4979474 (VCV004979474.1).